The following is an entry in ClinVar:

NM_014727.3(KMT2B):c.1160C>T (p.Ala387Val)

Gene: KMT2B (lysine methyltransferase 2B; plus strand). Cytogenetic location: 19q13.12.
Variant type: single nucleotide variant.
Coding change: c.1160C>T on transcript NM_014727.3 (MANE Select); coding-DNA position 1160, C replaced by T.
Protein change: p.Ala387Val; replaces alanine 387 with valine.
Molecular consequence: missense variant.
Genome position (GRCh38, 1-based): chr19:35,720,507, C>T. VCF-style: chr19-35720507-C-T. GRCh37 (hg19) VCF-style: chr19-36211409-C-T.
Other names: c.1160C>T (NM_014727.2); short protein forms A387V.
Identifiers: ClinVar variation 2176306 (VCV002176306.6), dbSNP rs377205918, ClinGen allele CA9384190.

ClinVar aggregate classification (germline): Likely benign. Review status: criteria provided, single submitter (1 of 4 stars). 2 submissions from 2 submitters: Likely benign (1). 1 of the submissions does not count toward it. Last evaluated 2025-06-12.

Conditions:
KMT2B-related disorder. Also called: KMT2B-related condition; KMT2B-related disorders. Identifiers: MedGen CN381338.

Allele frequency attached by ClinVar (database versions not stated): ExAC 0.00005; gnomAD 0.00006; TOPMed 0.00008; gnomAD exomes 0.00014; ESP Exome Variant Server 0.00018.
gnomAD v4.1: 197 of 1,551,130 alleles (0.013%); highest among the groups gnomAD compares: Non-Finnish European, 0.016%; no homozygotes.

Submissions (2):

Labcorp Genetics (formerly Invitae), Labcorp
Classification: Likely benign. Last evaluated: 2025-06-12. Review status: criteria provided, single submitter. Criteria: Invitae Variant Classification Sherloc (09022015). Collection method: clinical testing. Allele origin: germline.

PreventionGenetics, part of Exact Sciences
Classification: Likely benign for KMT2B-related condition. Last evaluated: 2023-12-06. Review status: no assertion criteria provided. Collection method: clinical testing. Allele origin: germline. Not counted in ClinVar's aggregate classification.
Comment: This variant is classified as likely benign based on ACMG/AMP sequence variant interpretation guidelines (Richards et al. 2015 PMID: 25741868, with internal and published modifications).